The following is an entry in ClinVar:

ClinVar aggregate classification (germline): Likely benign. Review status: criteria provided, multiple submitters, no conflicts (2 of 4 stars). 4 submissions from 4 submitters: Likely benign (4). Last evaluated 2025-04-13.

Conditions:
Inborn genetic diseases. Identifiers: MedGen C0950123, MeSH D030342.
Autosomal dominant childhood-onset proximal spinal muscular atrophy with contractures (SMALED2A). Also called: SPINAL MUSCULAR ATROPHY, LOWER EXTREMITY-PREDOMINANT, 2A, CHILDHOOD ONSET, AUTOSOMAL DOMINANT; Spinal muscular atrophy, lower extremity-predominant, 2A, autosomal dominant. Identifiers: Orphanet 363447, Orphanet 363454, MedGen C4747715, MONDO:0014121, OMIM 615290.

Allele frequency attached by ClinVar (database versions not stated): gnomAD exomes 0.00004; ExAC 0.00006; gnomAD 0.00006 and 0.00007; TOPMed 0.00006; 1000 Genomes Project 30x 0.00016; 1000 Genomes Project 0.00020; ESP Exome Variant Server 0.00023.
gnomAD v4.1: 77 of 1,612,462 alleles (0.0048%); highest among the groups gnomAD compares: African/African-American, 0.017%; no homozygotes.

Submissions (4):

Labcorp Genetics (formerly Invitae), Labcorp
Classification: Likely benign for Autosomal dominant childhood-onset proximal spinal muscular atrophy with contractures. Last evaluated: 2025-04-13. Review status: criteria provided, single submitter. Criteria: Invitae Variant Classification Sherloc (09022015). Collection method: clinical testing. Allele origin: germline.

Blueprint Genetics
Classification: Likely benign. Last evaluated: 2021-09-07. Review status: criteria provided, single submitter. Criteria: ACMG Guidelines, 2015. Collection method: clinical testing. Allele origin: germline.

Ambry Genetics
Classification: Likely benign for Inborn genetic diseases. Last evaluated: 2019-07-11. Review status: criteria provided, single submitter. Criteria: Ambry Variant Classification Scheme 2023. Collection method: clinical testing. Allele origin: germline.

GeneDx
Classification: Likely benign. Last evaluated: 2017-03-30. Review status: criteria provided, single submitter. Criteria: GeneDx Variant Classification (06012015). Collection method: clinical testing. Allele origin: germline. Affected: yes.
Comment: This variant is considered likely benign or benign based on one or more of the following criteria: it is a conservative change, it occurs at a poorly conserved position in the protein, it is predicted to be benign by multiple in silico algorithms, and/or has population frequency not consistent with disease.

NM_001003800.2(BICD2):c.2217C>T (p.Asp739=)

Gene: BICD2 (BICD cargo adaptor 2; minus strand). Cytogenetic location: 9q22.31.
Variant type: single nucleotide variant.
Coding change: c.2217C>T on transcript NM_001003800.2 (MANE Select); coding-DNA position 2217, C replaced by T.
Protein change: p.Asp739=; no amino-acid change (aspartic acid 739 retained).
Molecular consequence: synonymous variant.
Genome position (GRCh38, 1-based): chr9:92,717,838, G>A on the plus strand (C>T on the coding strand, the complement: BICD2 is on the minus strand). VCF-style: chr9-92717838-G-A. GRCh37 (hg19) VCF-style: chr9-95480120-G-A.
Other names: c.2217C>T, p.Asp739= (NM_015250.4).
Identifiers: ClinVar variation 508394 (VCV000508394.12), dbSNP rs142140690, ClinGen allele CA5126370.